The following is an entry in ClinVar:

NM_001174147.2(LMX1B):c.650G>A (p.Arg217Gln)

Gene: LMX1B (LIM homeobox transcription factor 1 beta; plus strand). Cytogenetic location: 9q33.3.
Variant type: single nucleotide variant.
Coding change: c.650G>A on transcript NM_001174147.2 (MANE Select); coding-DNA position 650, G replaced by A.
Protein change: p.Arg217Gln; replaces arginine 217 with glutamine.
Molecular consequence: missense variant.
Genome position (GRCh38, 1-based): chr9:126,693,232, G>A. VCF-style: chr9-126693232-G-A. GRCh37 (hg19) VCF-style: chr9-129455511-G-A.
Other names: c.650G>A, p.Arg217Gln (NM_001174146.2, NM_002316.4); short protein forms R217Q.
Identifiers: ClinVar variation 4694613 (VCV004694613.1).

ClinVar aggregate classification (germline): Uncertain significance (1 of 4 stars; one submission).

gnomAD v4.1: 11 of 1,611,152 alleles (0.00068%); highest among the groups gnomAD compares: Admixed American, 0.0017%; no homozygotes.

Submission:

Labcorp Genetics (formerly Invitae), Labcorp
Classification: Uncertain significance. Last evaluated: 2025-03-11. Review status: criteria provided, single submitter. Criteria: Invitae Variant Classification Sherloc (09022015). Collection method: clinical testing. Allele origin: germline.
Comment: This sequence change replaces arginine, which is basic and polar, with glutamine, which is neutral and polar, at codon 217 of the LMX1B protein (p.Arg217Gln). The frequency data for this variant in the population databases is considered unreliable, as metrics indicate poor data quality at this position in the gnomAD database. This variant has not been reported in the literature in individuals affected with LMX1B-related conditions. Invitae Evidence Modeling of protein sequence and biophysical properties (such as structural, functional, and spatial information, amino acid conservation, physicochemical variation, residue mobility, and thermodynamic stability) indicates that this missense variant is not expected to disrupt LMX1B protein function with a negative predictive value of 80%. In summary, the available evidence is currently insufficient to determine the role of this variant in disease. Therefore, it has been classified as a Variant of Uncertain Significance.